The following is an entry in ClinVar:

NM_001129.5(AEBP1):c.99G>A (p.Glu33=)

Gene: AEBP1 (AE binding protein 1; plus strand). Cytogenetic location: 7p13.
Variant type: single nucleotide variant.
Coding change: c.99G>A on transcript NM_001129.5 (MANE Select); coding-DNA position 99, G replaced by A.
Protein change: p.Glu33=; no amino-acid change (glutamic acid 33 retained).
Molecular consequence: synonymous variant.
Genome position (GRCh38, 1-based): chr7:44,104,764, G>A. VCF-style: chr7-44104764-G-A. GRCh37 (hg19) VCF-style: chr7-44144363-G-A.
Identifiers: ClinVar variation 2657422 (VCV002657422.27), dbSNP rs766049309, ClinGen allele CA4237415.

ClinVar aggregate classification (germline): Likely benign. Review status: criteria provided, multiple submitters, no conflicts (2 of 4 stars). 2 submissions from 2 submitters: Likely benign (2). Last evaluated 2025-02-27.

Allele frequency attached by ClinVar (database versions not stated): ExAC 0.00001; gnomAD 0.00001; TOPMed 0.00001.
gnomAD v4.1: 13 of 1,611,612 alleles (0.00081%); highest among the groups gnomAD compares: Non-Finnish European, 0.001%; no homozygotes.

Submissions (2):

Labcorp Genetics (formerly Invitae), Labcorp
Classification: Likely benign. Last evaluated: 2025-02-27. Review status: criteria provided, single submitter. Criteria: Invitae Variant Classification Sherloc (09022015). Collection method: clinical testing. Allele origin: germline.

CeGaT Center for Human Genetics Tuebingen
Classification: Likely benign. Last evaluated: 2022-12-01. Review status: criteria provided, single submitter. Criteria: CeGaT Center For Human Genetics Tuebingen Variant Classification Criteria Version 2. Collection method: clinical testing. Allele origin: germline. Affected: yes. Observed: 1 variant allele.
Comment: AEBP1: BP4, BP7